The following is an entry in ClinVar:

NM_152743.4(BRAT1):c.1432C>G (p.Leu478Val)

Gene: BRAT1 (BRCA1 associated ATM activator 1; minus strand). Cytogenetic location: 7p22.3.
Variant type: single nucleotide variant.
Coding change: c.1432C>G on transcript NM_152743.4 (MANE Select); coding-DNA position 1432, C replaced by G.
Protein change: p.Leu478Val; replaces leucine 478 with valine.
Molecular consequence: missense variant. On other transcripts: non-coding transcript variant (1).
Genome position (GRCh38, 1-based): chr7:2,539,852, G>C on the plus strand (C>G on the coding strand, the complement: BRAT1 is on the minus strand). VCF-style: chr7-2539852-G-C. GRCh37 (hg19) VCF-style: chr7-2579486-G-C.
Other names: c.1432C>G, p.Leu478Val (NM_001350626.2); c.907C>G, p.Leu303Val (NM_001350627.2); short protein forms L478V, L303V.
Identifiers: ClinVar variation 472942 (VCV000472942.8), dbSNP rs772904982, ClinGen allele CA366628322.

ClinVar aggregate classification (germline): Uncertain significance (1 of 4 stars; one submission).

Conditions:
Neonatal-onset encephalopathy with rigidity and seizures. Also called: Lethal neonatal spasticity-epileptic encephalopathy syndrome. Identifiers: Orphanet 435845, MedGen C3281029, MONDO:0013784, OMIM 614498.

Allele frequency attached by ClinVar (database versions not stated): gnomAD 0.00001; gnomAD exomes 0.00001; TOPMed 0.00002.
gnomAD v4.1: 14 of 1,599,968 alleles (0.00088%); highest among the groups gnomAD compares: Non-Finnish European, 0.0012%; no homozygotes.

Submission:

Labcorp Genetics (formerly Invitae), Labcorp
Classification: Uncertain significance for Neonatal-onset encephalopathy with rigidity and seizures. Last evaluated: 2019-11-19. Review status: criteria provided, single submitter. Criteria: Invitae Variant Classification Sherloc (09022015). Collection method: clinical testing. Allele origin: germline.
Comment: In summary, the available evidence is currently insufficient to determine the role of this variant in disease. Therefore, it has been classified as a Variant of Uncertain Significance. Algorithms developed to predict the effect of sequence changes on RNA splicing suggest that this variant may create or strengthen a splice site, but this prediction has not been confirmed by published transcriptional studies. Algorithms developed to predict the effect of missense changes on protein structure and function do not agree on the potential impact of this missense change (SIFT: "Deleterious"; PolyPhen-2: "Benign"; Align-GVGD: "Class C0"). This variant has not been reported in the literature in individuals with BRAT1-related disease. This variant is not present in population databases (ExAC no frequency). This sequence change replaces leucine with valine at codon 478 of the BRAT1 protein (p.Leu478Val). The leucine residue is highly conserved and there is a small physicochemical difference between leucine and valine.